The following is an entry in ClinVar:

ClinVar aggregate classification (germline): Pathogenic/Likely pathogenic. Review status: criteria provided, multiple submitters, no conflicts (2 of 4 stars). 4 submissions from 4 submitters: Pathogenic (1); Likely pathogenic (3). Last evaluated 2026-05-07.

Conditions:
Infantile cerebral and cerebellar atrophy with postnatal progressive microcephaly (MSBA). Identifiers: Orphanet 402364, MedGen C3150921, MONDO:0013351, OMIM 613668.

Allele frequency attached by ClinVar (database versions not stated): gnomAD exomes below 0.00001; ExAC 0.00001; gnomAD 0.00001; TOPMed 0.00002.
gnomAD v4.1: 7 of 1,613,106 alleles (0.00043%); highest among the groups gnomAD compares: South Asian, 0.0011%; no homozygotes.

Submissions (4):

GeneDx
Classification: Likely pathogenic. Last evaluated: 2026-05-07. Review status: criteria provided, single submitter. Criteria: GeneDx Variant Classification Process June 2021. Collection method: clinical testing. Allele origin: germline.
Comment: Nonsense variant predicted to result in protein truncation or nonsense mediated decay in a gene for which loss of function is a known mechanism of disease; Not observed at significant frequency in large population cohorts (gnomAD); Has not been previously published as pathogenic or benign to our knowledge

Natera, Inc.
Classification: Likely pathogenic for Postnatal progressive microcephaly with seizures and brain atrophy. Last evaluated: 2025-05-05. Review status: criteria provided, single submitter. Criteria: Natera Variant Classification Schema (03/2026). Collection method: clinical testing. Allele origin: germline.
Comment: The c.1360C>T variant in MED17 is a nonsense variant predicted to introduce a stop codon at amino acid 454. This variant is expected to result in nonsense mediated decay, truncation, or a dysfunctional protein product. This variant is rare in the general population with a frequency below the threshold expected for the associated phenotype(s). Given the available evidence, this variant is classified as Likely Pathogenic.

Labcorp Genetics (formerly Invitae), Labcorp
Classification: Pathogenic. Last evaluated: 2021-12-18. Review status: criteria provided, single submitter. Criteria: Invitae Variant Classification Sherloc (09022015). Collection method: clinical testing. Allele origin: germline.
Comment: For these reasons, this variant has been classified as Pathogenic. ClinVar contains an entry for this variant (Variation ID: 1070526). This variant has not been reported in the literature in individuals affected with MED17-related conditions. This variant is present in population databases (rs776884086, gnomAD 0.0009%). This sequence change creates a premature translational stop signal (p.Arg454*) in the MED17 gene. It is expected to result in an absent or disrupted protein product. Loss-of-function variants in MED17 are known to be pathogenic (PMID: 20950787, 26004231, 30345598).

Fulgent Genetics
Classification: Likely pathogenic for Infantile cerebral and cerebellar atrophy with postnatal progressive microcephaly. Last evaluated: 2021-08-28. Review status: criteria provided, single submitter. Criteria: ACMG Guidelines, 2015. Collection method: clinical testing. Allele origin: unknown.

Literature cited by the submitters: PubMed 20950787 (cited by Labcorp Genetics (formerly Invitae), Labcorp); PubMed 26004231 (cited by Labcorp Genetics (formerly Invitae), Labcorp); PubMed 30345598 (cited by Labcorp Genetics (formerly Invitae), Labcorp).

NM_004268.5(MED17):c.1360C>T (p.Arg454Ter)

Gene: MED17 (mediator complex subunit 17; plus strand). Cytogenetic location: 11q21.
Variant type: single nucleotide variant.
Coding change: c.1360C>T on transcript NM_004268.5 (MANE Select); coding-DNA position 1360, C replaced by T.
Protein change: p.Arg454Ter; replaces arginine 454 with a stop codon.
Molecular consequence: nonsense.
Genome position (GRCh38, 1-based): chr11:93,801,866, C>T. VCF-style: chr11-93801866-C-T. GRCh37 (hg19) VCF-style: chr11-93535032-C-T.
Other names: c.1360C>T (NM_004268.4); short protein forms R454*.
Identifiers: ClinVar variation 1070526 (VCV001070526.11), dbSNP rs776884086, ClinGen allele CA6232607.